The following is an entry in ClinVar:

NM_001349253.2(SCN11A):c.3394G>T (p.Val1132Phe)

Gene: SCN11A (sodium voltage-gated channel alpha subunit 11; minus strand). Cytogenetic location: 3p22.2.
Variant type: single nucleotide variant.
Coding change: c.3394G>T on transcript NM_001349253.2 (MANE Select); coding-DNA position 3394, G replaced by T.
Protein change: p.Val1132Phe; replaces valine 1132 with phenylalanine.
Molecular consequence: missense variant.
Genome position (GRCh38, 1-based): chr3:38,872,294, C>A on the plus strand (G>T on the coding strand, the complement: SCN11A is on the minus strand). VCF-style: chr3-38872294-C-A. GRCh37 (hg19) VCF-style: chr3-38913785-C-A.
Other names: c.3394G>T, p.Val1132Phe (NM_014139.3); short protein forms V1132F.
Identifiers: ClinVar variation 2930336 (VCV002930336.3), dbSNP rs775792185, ClinGen allele CA2321797.

ClinVar aggregate classification (germline): Uncertain significance (1 of 4 stars; one submission).

Conditions:
Hereditary sensory and autonomic neuropathy type 7. Also called: HSAN VII; Neuropathy, hereditary sensory and autonomic, type VII. Identifiers: Orphanet 391397, MedGen C3809882, MONDO:0014244, OMIM 615548.
Familial episodic pain syndrome with predominantly lower limb involvement. Also called: Episodic pain syndrome, familial, 3. Identifiers: Orphanet 391384, Orphanet 391392, MedGen C3809899, MONDO:0014247, OMIM 615552.

Allele frequency attached by ClinVar (database versions not stated): ExAC 0.00001; gnomAD 0.00001.
gnomAD v4.1: 4 of 1,561,232 alleles (0.00026%); highest among the groups gnomAD compares: Admixed American, 0.0033%; no homozygotes.

Submission:

Labcorp Genetics (formerly Invitae), Labcorp
Classification: Uncertain significance for Familial episodic pain syndrome with predominantly lower limb involvement; Hereditary sensory and autonomic neuropathy type 7. Last evaluated: 2022-12-15. Review status: criteria provided, single submitter. Criteria: Invitae Variant Classification Sherloc (09022015). Collection method: clinical testing. Allele origin: germline.
Comment: In summary, the available evidence is currently insufficient to determine the role of this variant in disease. Therefore, it has been classified as a Variant of Uncertain Significance. Algorithms developed to predict the effect of sequence changes on RNA splicing suggest that this variant may disrupt the consensus splice site. This variant is present in population databases (rs775792185, gnomAD 0.005%). This sequence change replaces valine, which is neutral and non-polar, with phenylalanine, which is neutral and non-polar, at codon 1132 of the SCN11A protein (p.Val1132Phe). This variant has not been reported in the literature in individuals affected with SCN11A-related conditions. Algorithms developed to predict the effect of missense changes on protein structure and function are either unavailable or do not agree on the potential impact of this missense change (SIFT: "Deleterious"; PolyPhen-2: "Benign"; Align-GVGD: "Class C0").